The following is an entry in ClinVar:

NM_000481.4(AMT):c.136G>A (p.Gly46Ser)

Gene: AMT (aminomethyltransferase; minus strand). Cytogenetic location: 3p21.31.
Variant type: single nucleotide variant.
Coding change: c.136G>A on transcript NM_000481.4 (MANE Select); coding-DNA position 136, G replaced by A.
Protein change: p.Gly46Ser; replaces glycine 46 with serine.
Molecular consequence: missense variant. On other transcripts: non-coding transcript variant (1), intron variant (1).
Genome position (GRCh38, 1-based): chr3:49,422,226, C>T on the plus strand (G>A on the coding strand, the complement: AMT is on the minus strand). VCF-style: chr3-49422226-C-T. GRCh37 (hg19) VCF-style: chr3-49459659-C-T.
Other names: c.136G>A, p.Gly46Ser (NM_001164710.2, NM_001164712.2); c.90+135G>A (NM_001164711.2); short protein forms G46S.
Identifiers: ClinVar variation 1979645 (VCV001979645.2), dbSNP rs371112488, ClinGen allele CA2398467.
Genomic context (GRCh38, chr3:49,422,226, plus strand): 5'-TGTGACTGTCCCGGTACTGCACTGGCAGACTCCAACCCGCAAACGCCACCATTTTCCCGC[C>T]GTGGGCCAGGTGGAAGTCATAGAGCGGTGTCCTGCGGAGCACCTCCTGTGGGCGGCTGGG-3'
Protein context (NP_000472.2, residues 36-56): TPLYDFHLAH[Gly46Ser]GKMVAFAGWS

ClinVar aggregate classification (germline): Uncertain significance. Review status: criteria provided, multiple submitters, no conflicts (2 of 4 stars). 2 submissions from 2 submitters: Uncertain significance (2). Last evaluated 2022-08-09.

Conditions:
Inborn genetic diseases. Identifiers: MedGen C0950123, MeSH D030342.
Glycine encephalopathy. Also called: Nonketotic hyperglycinemia; Non-ketotic hyperglycinemia. Identifiers: Orphanet 407, MedGen C0751748, MONDO:0011612, HP:0008288.

Allele frequency attached by ClinVar (database versions not stated): ExAC 0.00002; gnomAD 0.00004; gnomAD exomes 0.00005; TOPMed 0.00005; ESP Exome Variant Server 0.00008.
gnomAD v4.1: 84 of 1,613,996 alleles (0.0052%); highest among the groups gnomAD compares: Non-Finnish European, 0.0067%; no homozygotes.

Submissions (2):

Labcorp Genetics (formerly Invitae), Labcorp
Classification: Uncertain significance for Glycine encephalopathy. Last evaluated: 2022-08-09. Review status: criteria provided, single submitter. Criteria: Invitae Variant Classification Sherloc (09022015). Collection method: clinical testing. Allele origin: germline.
Comment: This sequence change replaces glycine, which is neutral and non-polar, with serine, which is neutral and polar, at codon 46 of the AMT protein (p.Gly46Ser). The frequency data for this variant in the population databases is considered unreliable, as metrics indicate poor data quality at this position in the gnomAD database. This variant has not been reported in the literature in individuals affected with AMT-related conditions. Algorithms developed to predict the effect of missense changes on protein structure and function are either unavailable or do not agree on the potential impact of this missense change (SIFT: "Deleterious"; PolyPhen-2: "Probably Damaging"; Align-GVGD: "Class C0"). Algorithms developed to predict the effect of sequence changes on RNA splicing suggest that this variant may create or strengthen a splice site. In summary, the available evidence is currently insufficient to determine the role of this variant in disease. Therefore, it has been classified as a Variant of Uncertain Significance.

Ambry Genetics
Classification: Uncertain significance for Inborn genetic diseases. Last evaluated: 2021-10-27. Review status: criteria provided, single submitter. Criteria: Ambry Variant Classification Scheme 2023. Collection method: clinical testing. Allele origin: germline.